The following is an entry in ClinVar:

NM_000465.4(BARD1):c.181del (p.Val61fs)

Gene: BARD1 (BRCA1 associated RING domain 1; minus strand). Cytogenetic location: 2q35.
Variant type: Deletion.
Coding change: c.181del on transcript NM_000465.4 (MANE Select); coding-DNA position 181, one base deleted (G; older notation c.181delG).
Protein change: p.Val61fs; shifts the reading frame from valine 61.
Molecular consequence: frameshift variant. On other transcripts: non-coding transcript variant (2), intron variant (2).
Genome position (GRCh38, 1-based): chr2:214,797,095, C deleted on the plus strand (G on the coding strand, the reverse complement: BARD1 is on the minus strand). VCF-style (leftmost placement, unchanged base first): chr2-214797094-AC-A. GRCh37 (hg19) VCF-style: chr2-215661818-AC-A.
Other names: c.181del, p.Val61fs (NM_001282545.2, NM_001282549.2); c.158+12317del (NM_001282548.2); c.159-4650del (NM_001282543.2); short protein forms V61fs.
Identifiers: ClinVar variation 3820542 (VCV003820542.2).

ClinVar aggregate classification (germline): Pathogenic. Review status: criteria provided, multiple submitters, no conflicts (2 of 4 stars). 2 submissions from 2 submitters: Pathogenic (2). Last evaluated 2025-10-06.

Conditions:
Hereditary cancer-predisposing syndrome. Also called: Hereditary neoplastic syndrome; Neoplastic Syndromes, Hereditary; Tumor predisposition; Hereditary Cancer Syndrome. Identifiers: Orphanet 140162, MedGen C0027672, MeSH D009386, MONDO:0015356.
Familial cancer of breast. Also called: BREAST CANCER, FAMILIAL; hereditary breast carcinoma; Hereditary breast cancer. Identifiers: Orphanet 227535, MedGen C0346153, MONDO:0016419, OMIM 114480. Disease mechanism: loss of function.

Submissions (2):

Labcorp Genetics (formerly Invitae), Labcorp
Classification: Pathogenic for Familial cancer of breast. Last evaluated: 2025-10-06. Review status: criteria provided, single submitter. Criteria: Invitae Variant Classification Sherloc (09022015). Collection method: clinical testing. Allele origin: germline.
Comment: This sequence change creates a premature translational stop signal (p.Val61Cysfs*3) in the BARD1 gene. It is expected to result in an absent or disrupted protein product. Loss-of-function variants in BARD1 are known to be pathogenic (PMID: 20077502, 21344236). This variant is not present in population databases (gnomAD no frequency). This variant has not been reported in the literature in individuals affected with BARD1-related conditions. ClinVar contains an entry for this variant (Variation ID: 3820542). For these reasons, this variant has been classified as Pathogenic.

Ambry Genetics
Classification: Pathogenic for Hereditary cancer-predisposing syndrome. Last evaluated: 2025-02-17. Review status: criteria provided, single submitter. Criteria: Ambry Variant Classification Scheme 2023. Collection method: clinical testing. Allele origin: germline.
Comment: The c.181delG pathogenic mutation, located in coding exon 2 of the BARD1 gene, results from a deletion of one nucleotide at nucleotide position 181, causing a translational frameshift with a predicted alternate stop codon (p.V61Cfs*3). This variant is considered to be rare based on population cohorts in the Genome Aggregation Database (gnomAD). This alteration is expected to result in loss of function by premature protein truncation or nonsense-mediated mRNA decay. As such, this alteration is interpreted as a disease-causing mutation.

Literature cited by the submitters: PubMed 20077502 (cited by Labcorp Genetics (formerly Invitae), Labcorp); PubMed 21344236 (cited by Labcorp Genetics (formerly Invitae), Labcorp).